The following is an entry in ClinVar:

ClinVar aggregate classification (germline): Uncertain significance (1 of 4 stars; one submission).

Allele frequency attached by ClinVar (database versions not stated): ExAC 0.00001; gnomAD exomes 0.00001.
gnomAD v4.1: 7 of 1,613,094 alleles (0.00043%); highest among the groups gnomAD compares: South Asian, 0.0077%; no homozygotes.

Submission:

Labcorp Genetics (formerly Invitae), Labcorp
Classification: Uncertain significance. Last evaluated: 2023-03-01. Review status: criteria provided, single submitter. Criteria: Invitae Variant Classification Sherloc (09022015). Collection method: clinical testing. Allele origin: germline.
Comment: In summary, the available evidence is currently insufficient to determine the role of this variant in disease. Therefore, it has been classified as a Variant of Uncertain Significance. Algorithms developed to predict the effect of sequence changes on RNA splicing suggest that this variant may create or strengthen a splice site. An algorithm developed to predict the effect of missense changes on protein structure and function (PolyPhen-2) suggests that this variant is likely to be disruptive. This variant has not been reported in the literature in individuals affected with TUBGCP6-related conditions. This variant is present in population databases (rs773464071, gnomAD 0.01%). This sequence change replaces alanine, which is neutral and non-polar, with valine, which is neutral and non-polar, at codon 1519 of the TUBGCP6 protein (p.Ala1519Val).

NM_020461.4(TUBGCP6):c.4556C>T (p.Ala1519Val)

Gene: TUBGCP6 (tubulin gamma complex component 6; minus strand). Cytogenetic location: 22q13.33.
Variant type: single nucleotide variant.
Coding change: c.4556C>T on transcript NM_020461.4 (MANE Select); coding-DNA position 4556, C replaced by T.
Protein change: p.Ala1519Val; replaces alanine 1519 with valine.
Molecular consequence: missense variant.
Genome position (GRCh38, 1-based): chr22:50,219,138, G>A on the plus strand (C>T on the coding strand, the complement: TUBGCP6 is on the minus strand). VCF-style: chr22-50219138-G-A. GRCh37 (hg19) VCF-style: chr22-50657567-G-A.
Other names: short protein forms A1519V.
Identifiers: ClinVar variation 2986737 (VCV002986737.3), dbSNP rs773464071, ClinGen allele CA10307448.